The following is an entry in ClinVar:

NM_001613.4(ACTA2):c.949_951del (p.Lys317del)

Genes: ACTA2-AS1 (ACTA2 antisense RNA 1; plus strand), ACTA2 (actin alpha 2, smooth muscle; minus strand). Cytogenetic location: 10q23.31.
Variant type: Deletion.
Coding change: c.949_951del on transcript NM_001613.4 (MANE Select); coding-DNA positions 949 to 951, 3 bases deleted (AAG; older notation c.949_951delAAG).
Protein change: p.Lys317del; deletes lysine 317.
Molecular consequence: inframe deletion.
Genome position (GRCh38, 1-based): chr10:88,938,100-88,938,102, CTT deleted on the plus strand (AAG on the coding strand, the reverse complement: ACTA2 is on the minus strand); deleting any 3 consecutive bases within chr10:88,938,100-88,938,104 gives the same sequence; the c. name uses the placement nearest the transcript's 3' end. VCF-style (leftmost placement, unchanged base first): chr10-88938099-CCTT-C. GRCh37 (hg19) VCF-style: chr10-90697856-CCTT-C.
Other names: c.949_951del, p.Lys317del (NM_001141945.3, NM_001320855.2, NM_001406462.1 and 2 more transcripts); c.838_840del, p.Lys280del (NM_001406466.1); c.820_822del, p.Lys274del (NM_001406467.1, NM_001406468.1, NM_001406469.1); c.757_759del, p.Lys253del (NM_001406471.1); short protein forms K317del, K274del, K280del, K253del.
Identifiers: ClinVar variation 2748635 (VCV002748635.3), dbSNP rs2494518848, ClinGen allele CA2697558644.

ClinVar aggregate classification (germline): Uncertain significance (1 of 4 stars; one submission).

Conditions:
Aortic aneurysm, familial thoracic 6 (AAT6). Also called: FAMILIAL THORACIC AORTIC ANEURYSM WITH LIVEDO RETICULARIS AND IRIS FLOCCULI. Identifiers: MedGen C2673186, MONDO:0012730, OMIM 611788.

Submission:

Labcorp Genetics (formerly Invitae), Labcorp
Classification: Uncertain significance for Aortic aneurysm, familial thoracic 6. Last evaluated: 2023-10-03. Review status: criteria provided, single submitter. Criteria: Invitae Variant Classification Sherloc (09022015). Collection method: clinical testing. Allele origin: germline.
Comment: This variant, c.949_951del, results in the deletion of 1 amino acid(s) of the ACTA2 protein (p.Lys317del), but otherwise preserves the integrity of the reading frame. This variant is not present in population databases (gnomAD no frequency). This variant has not been reported in the literature in individuals affected with ACTA2-related conditions. Experimental studies and prediction algorithms are not available or were not evaluated, and the functional significance of this variant is currently unknown. In summary, the available evidence is currently insufficient to determine the role of this variant in disease. Therefore, it has been classified as a Variant of Uncertain Significance.